The following is an entry in ClinVar:

NM_003285.3(TNR):c.743G>A (p.Gly248Glu)

Gene: TNR (tenascin R; minus strand). Cytogenetic location: 1q25.1.
Variant type: single nucleotide variant.
Coding change: c.743G>A on transcript NM_003285.3 (MANE Select); coding-DNA position 743, G replaced by A.
Protein change: p.Gly248Glu; replaces glycine 248 with glutamic acid.
Molecular consequence: missense variant. On other transcripts: 5 prime UTR variant (1).
Genome position (GRCh38, 1-based): chr1:175,403,373, C>T on the plus strand (G>A on the coding strand, the complement: TNR is on the minus strand). VCF-style: chr1-175403373-C-T. GRCh37 (hg19) VCF-style: chr1-175372509-C-T.
Other names: c.-153G>A (NM_001328635.2); short protein forms G248E.
Identifiers: ClinVar variation 1700280 (VCV001700280.2), dbSNP rs1653805894, ClinGen allele CA343790569.

ClinVar aggregate classification (germline): Uncertain significance (1 of 4 stars; one submission).

Allele frequency attached by ClinVar (database versions not stated): TOPMed below 0.00001.
gnomAD v4.1: 2 of 1,614,146 alleles (0.00012%); highest among the groups gnomAD compares: Middle Eastern, 0.033%; no homozygotes.

Submission:

GeneDx
Classification: Uncertain significance. Last evaluated: 2022-02-07. Review status: criteria provided, single submitter. Criteria: GeneDx Variant Classification Process June 2021. Collection method: clinical testing. Allele origin: germline. Affected: yes.
Comment: Not observed at significant frequency in large population cohorts (gnomAD); In silico analysis supports that this missense variant has a deleterious effect on protein structure/function; Has not been previously published as pathogenic or benign to our knowledge